The following is an entry in ClinVar:

NM_000466.3(PEX1):c.3014G>C (p.Cys1005Ser)

Genes: PEX1 (peroxisomal biogenesis factor 1; minus strand), GATAD1 (GATA zinc finger domain containing 1; plus strand). Cytogenetic location: 7q21.2.
Variant type: single nucleotide variant.
Coding change: c.3014G>C on transcript NM_000466.3 (MANE Select); coding-DNA position 3014, G replaced by C.
Protein change: p.Cys1005Ser; replaces cysteine 1005 with serine.
Molecular consequence: missense variant.
Genome position (GRCh38, 1-based): chr7:92,494,309, C>G on the plus strand (G>C on the coding strand, the complement: PEX1 is on the minus strand). VCF-style: chr7-92494309-C-G. GRCh37 (hg19) VCF-style: chr7-92123623-C-G.
Other names: c.2843G>C, p.Cys948Ser (NM_001282677.2); c.2390G>C, p.Cys797Ser (NM_001282678.2); short protein forms C1005S, C797S, C948S.
Identifiers: ClinVar variation 1461213 (VCV001461213.6), dbSNP rs1367395648, ClinGen allele CA368167329.

ClinVar aggregate classification (germline): Uncertain significance (1 of 4 stars; one submission).

Conditions:
Zellweger spectrum disorders (ZS). Also called: Zellweger Spectrum Disorder (ZSD); Zellweger Spectrum Disorder; Zellweger Spectrum; Zellweger syndrome. Identifiers: Orphanet 912, MedGen C0043459, MONDO:0019609.

Allele frequency attached by ClinVar (database versions not stated): gnomAD exomes below 0.00001.
gnomAD v4.1: 3 of 1,612,924 alleles (0.00019%); highest among the groups gnomAD compares: South Asian, 0.0022%; no homozygotes.

Submission:

Labcorp Genetics (formerly Invitae), Labcorp
Classification: Uncertain significance for Zellweger spectrum disorders. Last evaluated: 2022-02-20. Review status: criteria provided, single submitter. Criteria: Invitae Variant Classification Sherloc (09022015). Collection method: clinical testing. Allele origin: germline.
Comment: Algorithms developed to predict the effect of missense changes on protein structure and function (SIFT, PolyPhen-2, Align-GVGD) all suggest that this variant is likely to be disruptive. This variant has not been reported in the literature in individuals affected with PEX1-related conditions. This sequence change replaces cysteine, which is neutral and slightly polar, with serine, which is neutral and polar, at codon 1005 of the PEX1 protein (p.Cys1005Ser). This variant is present in population databases (no rsID available, gnomAD 0.003%). In summary, the available evidence is currently insufficient to determine the role of this variant in disease. Therefore, it has been classified as a Variant of Uncertain Significance.